The following is an entry in ClinVar:

ClinVar aggregate classification (germline): Pathogenic (1 of 4 stars; one submission).

Conditions:
Neurofibromatosis, type 1 (NF1). Also called: Neurofibromatosis, type I; Peripheral type neurofibromatosis; NEUROFIBROMATOSIS, TYPE I, SOMATIC; VON RECKLINGHAUSEN DISEASE. Identifiers: Orphanet 636, MedGen C0027831, MONDO:0018975, OMIM 162200. Disease mechanism: loss of function.

Submission:

Labcorp Genetics (formerly Invitae), Labcorp
Classification: Pathogenic for Neurofibromatosis, type 1. Last evaluated: 2022-06-11. Review status: criteria provided, single submitter. Criteria: Invitae Variant Classification Sherloc (09022015). Collection method: clinical testing. Allele origin: germline.
Comment: For these reasons, this variant has been classified as Pathogenic. This variant has not been reported in the literature in individuals affected with NF1-related conditions. This variant is not present in population databases (gnomAD no frequency). This sequence change creates a premature translational stop signal (p.Val437Leufs*36) in the NF1 gene. It is expected to result in an absent or disrupted protein product. Loss-of-function variants in NF1 are known to be pathogenic (PMID: 10712197, 23913538).

Literature cited by the submitters: PubMed 10712197; PubMed 23913538.

NM_001042492.3(NF1):c.1309del (p.Val437fs)

Gene: NF1 (neurofibromin 1; plus strand). Cytogenetic location: 17q11.2.
Variant type: Deletion.
Coding change: c.1309del on transcript NM_001042492.3 (MANE Select); coding-DNA position 1309, one base deleted (G; older notation c.1309delG).
Protein change: p.Val437fs; shifts the reading frame from valine 437.
Molecular consequence: frameshift variant.
Genome position (GRCh38, 1-based): chr17:31,206,288, G deleted; the last of 2 consecutive G bases (chr17:31,206,287-31,206,288); deleting either gives the same sequence. VCF-style (leftmost placement, unchanged base first): chr17-31206286-CG-C. GRCh37 (hg19) VCF-style: chr17-29533304-CG-C.
Other names: c.1309delG, p.Val437Leufs (NM_000267.4); c.1309del, p.Val437fs (NM_001128147.3); short protein forms V437fs.
Identifiers: ClinVar variation 2004812 (VCV002004812.4), dbSNP rs2544811052, ClinGen allele CA2580093032.